The following is an entry in ClinVar:

NM_001851.6(COL9A1):c.227G>A (p.Arg76Lys)

Gene: COL9A1 (collagen type IX alpha 1 chain; minus strand). Cytogenetic location: 6q13.
Variant type: single nucleotide variant.
Coding change: c.227G>A on transcript NM_001851.6 (MANE Select); coding-DNA position 227, G replaced by A.
Protein change: p.Arg76Lys; replaces arginine 76 with lysine.
Molecular consequence: missense variant.
Genome position (GRCh38, 1-based): chr6:70,300,115, C>T on the plus strand (G>A on the coding strand, the complement: COL9A1 is on the minus strand). VCF-style: chr6-70300115-C-T. GRCh37 (hg19) VCF-style: chr6-71009818-C-T.
Other names: c.227G>A, p.Arg76Lys (NM_001377291.1); c.227G>A (NM_001851.4); short protein forms R76K.
Identifiers: ClinVar variation 2087258 (VCV002087258.4), dbSNP rs1422918846, ClinGen allele CA364674490.

ClinVar aggregate classification (germline): Uncertain significance. Review status: criteria provided, multiple submitters, no conflicts (2 of 4 stars). 2 submissions from 2 submitters: Uncertain significance (2). Last evaluated 2025-09-09.

Conditions:
COL9A1-related disorder. Also called: COL9A1-related condition; COL9A1-related disorders.

Allele frequency attached by ClinVar (database versions not stated): gnomAD 0.00001.
gnomAD v4.1: 7 of 1,613,728 alleles (0.00043%); highest among the groups gnomAD compares: Non-Finnish European, 0.00059%; no homozygotes.

Submissions (2):

PreventionGenetics, part of Exact Sciences
Classification: Uncertain significance for COL9A1-related condition. Last evaluated: 2025-09-09. Review status: criteria provided, single submitter. Criteria: ACMG Guidelines, 2015. Collection method: clinical testing. Allele origin: germline.
Comment: The COL9A1 c.227G>A variant is predicted to result in the amino acid substitution p.Arg76Lys. To our knowledge, this variant has not been reported in the literature. This variant is reported in 0.00088% of alleles in individuals of European (Non-Finnish) descent in gnomAD. At this time, the clinical significance of this variant is uncertain due to the absence of conclusive functional and genetic evidence.

Labcorp Genetics (formerly Invitae), Labcorp
Classification: Uncertain significance. Last evaluated: 2022-03-19. Review status: criteria provided, single submitter. Criteria: Invitae Variant Classification Sherloc (09022015). Collection method: clinical testing. Allele origin: germline.
Comment: This sequence change replaces arginine, which is basic and polar, with lysine, which is basic and polar, at codon 76 of the COL9A1 protein (p.Arg76Lys). This variant is present in population databases (no rsID available, gnomAD 0.0009%). This variant has not been reported in the literature in individuals affected with COL9A1-related conditions. Advanced modeling of protein sequence and biophysical properties (such as structural, functional, and spatial information, amino acid conservation, physicochemical variation, residue mobility, and thermodynamic stability) performed at Invitae indicates that this missense variant is not expected to disrupt COL9A1 protein function. In summary, the available evidence is currently insufficient to determine the role of this variant in disease. Therefore, it has been classified as a Variant of Uncertain Significance.